The following is an entry in ClinVar:

ClinVar aggregate classification (germline): Likely benign (0 of 4 stars; one submission).

Conditions:
MADD-related disorder. Also called: MADD-Related Disorders; MADD-related condition.

Allele frequency attached by ClinVar (database versions not stated): 1000 Genomes Project 30x 0.00047; TOPMed 0.00054; 1000 Genomes Project 0.00060; ExAC 0.00075; ESP Exome Variant Server 0.00092.
gnomAD v4.1: 1,349 of 1,612,576 alleles (0.084%); highest among the groups gnomAD compares: Non-Finnish European, 0.11%; no homozygotes.

Submission:

PreventionGenetics, part of Exact Sciences
Classification: Likely benign for MADD-related condition. Last evaluated: 2019-08-12. Review status: no assertion criteria provided. Collection method: clinical testing. Allele origin: germline.
Comment: This variant is classified as likely benign based on ACMG/AMP sequence variant interpretation guidelines (Richards et al. 2015 PMID: 25741868, with internal and published modifications).

NM_001376571.1(MADD):c.3760-6C>T

Gene: MADD (MAP kinase activating death domain; plus strand). Cytogenetic location: 11p11.2.
Variant type: single nucleotide variant.
Coding change: c.3760-6C>T on transcript NM_001376571.1 (MANE Select); 6 bases into the intron before coding-DNA position 3760, C replaced by T.
Molecular consequence: intron variant.
Genome position (GRCh38, 1-based): chr11:47,308,585, C>T. VCF-style: chr11-47308585-C-T. GRCh37 (hg19) VCF-style: chr11-47330136-C-T.
Other names: c.3127-6C>T (NM_001376662.1); c.3457-6C>T (NM_001376658.1); c.3403-6C>T (NM_001376650.1); c.3592-6C>T (NM_001376632.1); c.3544-6C>T (NM_001376649.1, NM_001376626.1, NM_001376648.1 and 1 more transcripts); c.3541-6C>T (NM_001376602.1); c.3484-6C>T (NM_001376657.1); c.3415-6C>T (NM_001376627.1, NM_001376659.1); and 35 more.
Identifiers: ClinVar variation 3035592 (VCV003035592.2), dbSNP rs186835591, ClinGen allele CA5974924.